The following is an entry in ClinVar:

ClinVar aggregate classification (germline): Likely benign. Review status: criteria provided, multiple submitters, no conflicts (2 of 4 stars). 4 submissions from 4 submitters: Likely benign (4). Last evaluated 2025-12-09.

Conditions:
MFAP5-related disorder. Also called: MFAP5-related condition.
Cardiovascular phenotype. Identifiers: MedGen CN230736.

Allele frequency attached by ClinVar (database versions not stated): gnomAD exomes 0.00002; gnomAD 0.00003; TOPMed 0.00005; ExAC 0.00006; ESP Exome Variant Server 0.00008; 1000 Genomes Project 30x 0.00016; 1000 Genomes Project 0.00020.
gnomAD v4.1: 40 of 1,613,764 alleles (0.0025%); highest among the groups gnomAD compares: East Asian, 0.0067%; no homozygotes.

Submissions (4):

PreventionGenetics, part of Exact Sciences
Classification: Likely benign for MFAP5-related condition. Last evaluated: 2025-12-09. Review status: criteria provided, single submitter. Criteria: ACMG Guidelines, 2015. Collection method: clinical testing. Allele origin: germline.
Comment: This variant is classified as likely benign based on ACMG/AMP sequence variant interpretation guidelines (Richards et al. 2015 PMID: 25741868, with internal and published modifications).

Women's Health and Genetics/Laboratory Corporation of America, LabCorp
Classification: Likely benign. Last evaluated: 2025-04-25. Review status: criteria provided, single submitter. Criteria: LabCorp Variant Classification Summary - May 2015. Collection method: clinical testing. Allele origin: germline.

Labcorp Genetics (formerly Invitae), Labcorp
Classification: Likely benign. Last evaluated: 2025-01-29. Review status: criteria provided, single submitter. Criteria: Invitae Variant Classification Sherloc (09022015). Collection method: clinical testing. Allele origin: germline.

Ambry Genetics
Classification: Likely benign for Cardiovascular phenotype. Last evaluated: 2021-03-04. Review status: criteria provided, single submitter. Criteria: Ambry Variant Classification Scheme 2023. Collection method: clinical testing. Allele origin: germline.

NM_003480.4(MFAP5):c.396C>T (p.His132=)

Gene: MFAP5 (microfibril associated protein 5; minus strand). Cytogenetic location: 12p13.31.
Variant type: single nucleotide variant.
Coding change: c.396C>T on transcript NM_003480.4 (MANE Select); coding-DNA position 396, C replaced by T.
Protein change: p.His132=; no amino-acid change (histidine 132 retained).
Molecular consequence: synonymous variant. On other transcripts: non-coding transcript variant (2), intron variant (1).
Genome position (GRCh38, 1-based): chr12:8,649,514, G>A on the plus strand (C>T on the coding strand, the complement: MFAP5 is on the minus strand). VCF-style: chr12-8649514-G-A. GRCh37 (hg19) VCF-style: chr12-8802110-G-A.
Other names: c.396C>T (NM_003480.3); c.366C>T, p.His122= (NM_001297709.2); c.330C>T, p.His110= (NM_001297710.2); c.321C>T, p.His107= (NM_001297711.2); c.218-1311C>T (NM_001297712.2).
Identifiers: ClinVar variation 1736591 (VCV001736591.10), dbSNP rs199578843, ClinGen allele CA6434590.